The following is an entry in ClinVar:

NM_020778.5(ALPK3):c.1627C>A (p.Gln543Lys)

Genes: ALPK3 (alpha kinase 3; plus strand), LOC111718493 (skeletal muscle cis-regulatory module overlapping ALPK3; plus strand). Cytogenetic location: 15q25.3.
Variant type: single nucleotide variant.
Coding change: c.1627C>A on transcript NM_020778.5 (MANE Select); coding-DNA position 1627, C replaced by A.
Protein change: p.Gln543Lys; replaces glutamine 543 with lysine.
Molecular consequence: missense variant.
Genome position (GRCh38, 1-based): chr15:84,840,906, C>A. VCF-style: chr15-84840906-C-A. GRCh37 (hg19) VCF-style: chr15-85384137-C-A.
Other names: c.2233C>A (NM_020778.4); short protein forms Q543K.
Identifiers: ClinVar variation 1466852 (VCV001466852.7), dbSNP rs754240880, ClinGen allele CA393376169.
Genomic context (GRCh38, chr15:84,840,906, plus strand): 5'-CAGGTGCCGACGCCCCCTGCCCGGCGGAGACATGGCACCCGGGACAGCACGTTGCAGGGG[C>A]AAGCAGGCCACAGGACTCCAGGAGAGGTAAGTGTGGGTGTTGGGTGCCTGGAGGCCGCTC-3'
Protein context (NP_065829.4, residues 533-553): HGTRDSTLQG[Gln543Lys]AGHRTPGEVL

ClinVar aggregate classification (germline): Uncertain significance. Review status: criteria provided, multiple submitters, no conflicts (2 of 4 stars). 2 submissions from 2 submitters: Uncertain significance (2). Last evaluated 2025-05-03.

Conditions:
Cardiovascular phenotype. Identifiers: MedGen CN230736.

Allele frequency attached by ClinVar (database versions not stated): gnomAD exomes below 0.00001; TOPMed 0.00001.
gnomAD v4.1: 2 of 1,607,468 alleles (0.00012%); highest among the groups gnomAD compares: Admixed American, 0.0034%; no homozygotes.

Submissions (2):

Ambry Genetics
Classification: Uncertain significance for Cardiovascular phenotype. Last evaluated: 2025-05-03. Review status: criteria provided, single submitter. Criteria: Ambry Variant Classification Scheme 2023. Collection method: clinical testing. Allele origin: germline.
Comment: The p.Q745K variant (also known as c.2233C>A), located in coding exon 5 of the ALPK3 gene, results from a C to A substitution at nucleotide position 2233. The glutamine at codon 745 is replaced by lysine, an amino acid with similar properties. This amino acid position is conserved. In addition, this alteration is predicted to be tolerated by in silico analysis. Based on the available evidence, the clinical significance of this variant remains unclear.

Labcorp Genetics (formerly Invitae), Labcorp
Classification: Uncertain significance. Last evaluated: 2023-05-14. Review status: criteria provided, single submitter. Criteria: Invitae Variant Classification Sherloc (09022015). Collection method: clinical testing. Allele origin: germline.
Comment: In summary, the available evidence is currently insufficient to determine the role of this variant in disease. Therefore, it has been classified as a Variant of Uncertain Significance. An algorithm developed to predict the effect of missense changes on protein structure and function (PolyPhen-2) suggests that this variant is likely to be tolerated. ClinVar contains an entry for this variant (Variation ID: 1466852). This variant has not been reported in the literature in individuals affected with ALPK3-related conditions. This variant is present in population databases (no rsID available, gnomAD 0.006%). This sequence change replaces glutamine, which is neutral and polar, with lysine, which is basic and polar, at codon 745 of the ALPK3 protein (p.Gln745Lys).